The following is an entry in ClinVar:

ClinVar aggregate classification (germline): Uncertain significance (1 of 4 stars; one submission).

Submission:

GeneDx
Classification: Uncertain significance. Last evaluated: 2023-12-14. Review status: criteria provided, single submitter. Criteria: GeneDx Variant Classification Process June 2021. Collection method: clinical testing. Allele origin: germline. Affected: yes.
Comment: Not observed at significant frequency in large population cohorts (gnomAD); In silico analysis supports that this missense variant has a deleterious effect on protein structure/function; Has not been previously published as pathogenic or benign to our knowledge

NM_001366145.2(TRPM3):c.3720G>A (p.Met1240Ile)

Genes: KLF9-DT (KLF9 divergent transcript; plus strand), TRPM3 (transient receptor potential cation channel subfamily M member 3; minus strand). Cytogenetic location: 9q21.12.
Variant type: single nucleotide variant.
Coding change: c.3720G>A on transcript NM_001366145.2 (MANE Select); coding-DNA position 3720, G replaced by A.
Protein change: p.Met1240Ile; replaces methionine 1240 with isoleucine.
Molecular consequence: missense variant.
Genome position (GRCh38, 1-based): chr9:70,537,393, C>T on the plus strand (G>A on the coding strand, the complement: TRPM3 is on the minus strand). VCF-style: chr9-70537393-C-T. GRCh37 (hg19) VCF-style: chr9-73152309-C-T.
Other names: c.3684G>A, p.Met1228Ile (NM_001007471.4, NM_001366151.2); c.3690G>A, p.Met1230Ile (NM_001366141.2, NM_001366143.2, NM_001366149.2); c.3726G>A, p.Met1242Ile (NM_001366142.2); c.3720G>A, p.Met1240Ile (NM_001366146.2); c.3795G>A, p.Met1265Ile (NM_001366147.2, NM_001366152.2); c.3765G>A, p.Met1255Ile (NM_001366148.2); c.3654G>A, p.Met1218Ile (NM_001366150.2); c.3261G>A, p.Met1087Ile (NM_001366154.2, NM_024971.7); and 5 more; short protein forms M1065I, M1075I, M1077I, M1087I, M1090I, M1100I, M1218I, M1228I.
Identifiers: ClinVar variation 3365724 (VCV003365724.1).